The following is an entry in ClinVar:

ClinVar aggregate classification (germline): Uncertain significance. Review status: criteria provided, multiple submitters, no conflicts (2 of 4 stars). 2 submissions from 2 submitters: Uncertain significance (2). Last evaluated 2022-04-20.

Conditions:
Neuropathy, hereditary sensory and autonomic, type 2B (HSAN2B). Also called: RETREG1-Related HSAN2 (HSAN2B). Identifiers: Orphanet 970, MedGen C2751092, MONDO:0013142, OMIM 613115.

Allele frequency attached by ClinVar (database versions not stated): gnomAD 0.00001.
gnomAD v4.1: 10 of 1,611,766 alleles (0.00062%); highest among the groups gnomAD compares: South Asian, 0.011%; no homozygotes.

Submissions (2):

Labcorp Genetics (formerly Invitae), Labcorp
Classification: Uncertain significance. Last evaluated: 2022-04-20. Review status: criteria provided, single submitter. Criteria: Invitae Variant Classification Sherloc (09022015). Collection method: clinical testing. Allele origin: germline.
Comment: In summary, the available evidence is currently insufficient to determine the role of this variant in disease. Therefore, it has been classified as a Variant of Uncertain Significance. Algorithms developed to predict the effect of missense changes on protein structure and function (SIFT, PolyPhen-2, Align-GVGD) all suggest that this variant is likely to be disruptive. This variant has not been reported in the literature in individuals affected with RETREG1-related conditions. This variant is not present in population databases (gnomAD no frequency). This sequence change replaces glycine, which is neutral and non-polar, with arginine, which is basic and polar, at codon 211 of the RETREG1 protein (p.Gly211Arg).

Kasturba Medical College, Manipal, Kasturba Medical College, Manipal, Manipal Academy of Higher Education, Manipal, India
Classification: Uncertain significance for Neuropathy, hereditary sensory and autonomic, type 2B. Review status: criteria provided, single submitter. Criteria: ACMG Guidelines, 2015. Collection method: clinical testing. Allele origin: unknown. Inheritance: Autosomal recessive inheritance. Affected: yes. Observed: 1 homozygote.

NM_001034850.3(RETREG1):c.631G>A (p.Gly211Arg)

Gene: RETREG1 (reticulophagy regulator 1; minus strand). Cytogenetic location: 5p15.1.
Variant type: single nucleotide variant.
Coding change: c.631G>A on transcript NM_001034850.3 (MANE Select); coding-DNA position 631, G replaced by A.
Protein change: p.Gly211Arg; replaces glycine 211 with arginine.
Molecular consequence: missense variant.
Genome position (GRCh38, 1-based): chr5:16,481,048, C>T on the plus strand (G>A on the coding strand, the complement: RETREG1 is on the minus strand). VCF-style: chr5-16481048-C-T. GRCh37 (hg19) VCF-style: chr5-16481157-C-T.
Other names: c.208G>A, p.Gly70Arg (NM_019000.5); short protein forms G211R, G70R.
Identifiers: ClinVar variation 1943097 (VCV001943097.7), dbSNP rs1738748948, ClinGen allele CA359258972.